The following is an entry in ClinVar:

ClinVar aggregate classification (germline): Uncertain significance (1 of 4 stars; one submission).

Submission:

Labcorp Genetics (formerly Invitae), Labcorp
Classification: Uncertain significance. Last evaluated: 2024-03-02. Review status: criteria provided, single submitter. Criteria: Invitae Variant Classification Sherloc (09022015). Collection method: clinical testing. Allele origin: germline.
Comment: This sequence change replaces lysine, which is basic and polar, with asparagine, which is neutral and polar, at codon 1804 of the SON protein (p.Lys1804Asn). This variant is not present in population databases (gnomAD no frequency). This variant has not been reported in the literature in individuals affected with SON-related conditions. An algorithm developed to predict the effect of missense changes on protein structure and function (PolyPhen-2) suggests that this variant is likely to be disruptive. In summary, the available evidence is currently insufficient to determine the role of this variant in disease. Therefore, it has been classified as a Variant of Uncertain Significance.

NM_138927.4(SON):c.5412G>C (p.Lys1804Asn)

Gene: SON (SON DNA and RNA binding protein; plus strand). Cytogenetic location: 21q22.11.
Variant type: single nucleotide variant.
Coding change: c.5412G>C on transcript NM_138927.4 (MANE Select); coding-DNA position 5412, G replaced by C.
Protein change: p.Lys1804Asn; replaces lysine 1804 with asparagine.
Molecular consequence: missense variant. On other transcripts: non-coding transcript variant (1), intron variant (1).
Genome position (GRCh38, 1-based): chr21:33,554,643, G>C. VCF-style: chr21-33554643-G-C. GRCh37 (hg19) VCF-style: chr21-34926949-G-C.
Other names: c.5412G>C, p.Lys1804Asn (NM_001291411.2, NM_032195.3); c.245-2513G>C (NM_001291412.3); short protein forms K1804N.
Identifiers: ClinVar variation 3644134 (VCV003644134.2).
Genomic context (GRCh38, chr21:33,554,643, plus strand): 5'-AGAGGAAAAAGATGATTATGAAATTTTTGTAAAAGTTAAGGACACTCACGAAAAAAGCAA[G>C]AAAAATAAGAACCGTGATAAGGGGGAGAAAGAGAAGAAAAGAGACTCTTCATTAAGATCT-3'
Protein context (NP_620305.3, residues 1794-1814): VKVKDTHEKS[Lys1804Asn]KNKNRDKGEK